The following is an entry in ClinVar:

NM_000553.6(WRN):c.1721-3A>T

Gene: WRN (WRN RecQ like helicase; plus strand). Cytogenetic location: 8p12.
Variant type: single nucleotide variant.
Coding change: c.1721-3A>T on transcript NM_000553.6 (MANE Select); 3 bases into the intron before coding-DNA position 1721, A replaced by T.
Molecular consequence: intron variant.
Genome position (GRCh38, 1-based): chr8:31,090,831, A>T. VCF-style: chr8-31090831-A-T. GRCh37 (hg19) VCF-style: chr8-30948347-A-T.
Identifiers: ClinVar variation 846677 (VCV000846677.6), dbSNP rs753685410, ClinGen allele CA4704473.

ClinVar aggregate classification (germline): Uncertain significance (1 of 4 stars; one submission).

Conditions:
Werner syndrome (WRN). Identifiers: Orphanet 902, MedGen C0043119, MONDO:0010196, OMIM 277700.

Allele frequency attached by ClinVar (database versions not stated): gnomAD exomes below 0.00001 and 0.00001; ExAC 0.00001; TOPMed 0.00001; gnomAD 0.00002.
gnomAD v4.1: 7 of 1,599,834 alleles (0.00044%); highest among the groups gnomAD compares: East Asian, 0.013%; no homozygotes.

Submission:

Labcorp Genetics (formerly Invitae), Labcorp
Classification: Uncertain significance for Werner syndrome. Last evaluated: 2025-07-31. Review status: criteria provided, single submitter. Criteria: Invitae Variant Classification Sherloc (09022015). Collection method: clinical testing. Allele origin: germline.
Comment: This sequence change falls in intron 14 of the WRN gene. It does not directly change the encoded amino acid sequence of the WRN protein. It affects a nucleotide within the consensus splice site. This variant is present in population databases (rs753685410, gnomAD 0.03%). This variant has not been reported in the literature in individuals affected with WRN-related conditions. ClinVar contains an entry for this variant (Variation ID: 846677). Variants that disrupt the consensus splice site are a relatively common cause of aberrant splicing (PMID: 17576681, 9536098). Algorithms developed to predict the effect of sequence changes on RNA splicing suggest that this variant is not likely to affect RNA splicing. In summary, the available evidence is currently insufficient to determine the role of this variant in disease. Therefore, it has been classified as a Variant of Uncertain Significance.

Literature cited by the submitters: PubMed 17576681; PubMed 9536098.